The following is an entry in ClinVar:

NM_022124.6(CDH23):c.3178C>T (p.Arg1060Trp)

Gene: CDH23 (cadherin related 23; plus strand). Cytogenetic location: 10q22.1.
Variant type: single nucleotide variant.
Coding change: c.3178C>T on transcript NM_022124.6 (MANE Select); coding-DNA position 3178, C replaced by T.
Protein change: p.Arg1060Trp; replaces arginine 1060 with tryptophan.
Molecular consequence: missense variant.
Genome position (GRCh38, 1-based): chr10:71,709,169, C>T. VCF-style: chr10-71709169-C-T. GRCh37 (hg19) VCF-style: chr10-73468926-C-T.
Other names: c.3178C>T, p.Arg1060Trp (NM_001171930.2); short protein forms R1060W.
Identifiers: ClinVar variation 226437 (VCV000226437.51), dbSNP rs201536811, ClinGen allele CA5544502.

ClinVar aggregate classification (germline): Conflicting classifications of pathogenicity. Review status: criteria provided, conflicting classifications (1 of 4 stars). 15 submissions from 15 submitters: Uncertain significance (10); Likely benign (1). 4 of the submissions do not count toward it. Last evaluated 2026-07-06.

Conditions:
Prelingual sensorineural hearing impairment. Identifiers: MedGen C4021806, HP:0000399.
CDH23-related disorder. Also called: CDH23-related condition; CDH23-related disorders.
Autosomal recessive nonsyndromic hearing loss 12. Also called: DEAFNESS, AUTOSOMAL RECESSIVE 12. Identifiers: Orphanet 90636, MedGen C1832394, MONDO:0011067, OMIM 601386.
Usher syndrome type 1 (USH1). Also called: RETINITIS PIGMENTOSA AND CONGENITAL DEAFNESS. Identifiers: Orphanet 231169, Orphanet 886, MedGen C1568247, MONDO:0010168, OMIM 276900.

Allele frequency attached by ClinVar (database versions not stated): TOPMed 0.00070; gnomAD 0.00035; ESP Exome Variant Server 0.00008; ExAC 0.00038.
gnomAD v4.1: 956 of 1,613,830 alleles (0.059%); highest among the groups gnomAD compares: Admixed American, 0.18%; 1 homozygote.

Submissions (15):

PreventionGenetics, part of Exact Sciences
Classification: Uncertain significance for CDH23-related condition. Last evaluated: 2026-07-06. Review status: criteria provided, single submitter. Criteria: ACMG Guidelines, 2015. Collection method: clinical testing. Allele origin: germline.
Comment: The CDH23 c.3178C>T variant is predicted to result in the amino acid substitution p.Arg1060Trp. This variant was reported in the heterozygous state in a patient with non-syndromic hearing loss (Astuto et al. 2002. PubMed ID: 12075507) and in a patient with two pathogenic variants in another gene leading the authors to classify it as 'likely non-pathogenic' (Roux et al 2006. PubMed ID: 16679490). This variant was also reported in a digenic manner with a PCDH15 variant in an individual with hearing loss (Reis et al. 2022. PubMed ID: 35580552). This variant has also been reported in the heterozygous state on the same allele as a pathogenic CDH23 variant (p.Asp1341Asn) in an individual with atypical Usher syndrome (Cremers et al. 2006. PubMed ID: 16963483). This variant is reported in 0.11% of alleles in individuals of Latino descent in gnomAD including one homozygote, which may be higher than expected for causative variant. Although we suspect that this variant may be benign, at this time, the clinical significance of this variant is uncertain due to the absence of conclusive functional and genetic evidence.

Laboratory of Molecular, Cellular and Translation Genetics in Otolaryngology/ Lim32-hcfmusp, University of Sao Paulo School of Medicine Clinics Hospital
Classification: Uncertain significance for Prelingual sensorineural hearing impairment. Last evaluated: 2026-04-30. Review status: criteria provided, single submitter. Criteria: ClinGen HL ACMG Specifications v1. Collection method: research. Allele origin: germline. Affected: yes.
Comment: NM_022124.6:c.3178C>T:p.(Arg1060Trp). This variant has been classified as a variant of uncertain significance (VUS). It is rare in population databases (PM2_supporting), and in silico prediction tools provide inconclusive evidence regarding its impact on protein function. However, the available evidence is insufficient to definitively establish this variant as causative in this study.

Women's Health and Genetics/Laboratory Corporation of America, LabCorp
Classification: Uncertain significance. Last evaluated: 2026-03-17. Review status: criteria provided, single submitter. Criteria: LabCorp Variant Classification Summary - May 2015. Collection method: clinical testing. Allele origin: germline.
Comment: Variant summary: CDH23 c.3178C>T (p.Arg1060Trp) results in a non-conservative amino acid change in the encoded protein sequence. Algorithms developed to predict the effect of missense changes on protein structure and function all suggest that this variant is likely to be disruptive. The variant allele was found at a frequency of 0.00048 in 248684 control chromosomes in the gnomAD database, including 1 homozygote. This frequency is not significantly higher than estimated for disease-causing variants in CDH23, allowing no conclusion about variant significance. c.3178C>T has been reported in the literature in individuals affected with Usher Syndrome or nonsyndromic hearing loss (e.g. Astuto_2002, Bujakowska_2014, Reis_2022). These reports do not provide unequivocal conclusions about association of the variant with Usher Syndrome. To our knowledge, no experimental evidence demonstrating an impact on protein function has been reported. The following publications have been ascertained in the context of this evaluation (PMID: 12075507, 25468891, 35580552). ClinVar contains an entry for this variant (Variation ID: 226437). Based on the evidence outlined above, the variant was classified as uncertain significance.

Blueprint Genetics
Classification: Likely benign. Last evaluated: 2024-11-07. Review status: criteria provided, single submitter. Criteria: ACMG Guidelines, 2015. Collection method: clinical testing. Allele origin: germline.

CeGaT Center for Human Genetics Tuebingen
Classification: Uncertain significance. Last evaluated: 2024-07-01. Review status: criteria provided, single submitter. Criteria: CeGaT Center For Human Genetics Tuebingen Variant Classification Criteria Version 2. Collection method: clinical testing. Allele origin: germline. Affected: yes. Observed: 1 variant allele.

Labcorp Genetics (formerly Invitae), Labcorp
Classification: Uncertain significance. Last evaluated: 2022-10-28. Review status: criteria provided, single submitter. Criteria: Invitae Variant Classification Sherloc (09022015). Collection method: clinical testing. Allele origin: germline.
Comment: This sequence change replaces arginine, which is basic and polar, with tryptophan, which is neutral and slightly polar, at codon 1060 of the CDH23 protein (p.Arg1060Trp). This variant is present in population databases (rs201536811, gnomAD 0.1%), and has an allele count higher than expected for a pathogenic variant. This missense change has been observed in individual(s) with Usher syndrome or hearing loss (PMID: 16679490, 21569298, 25468891). ClinVar contains an entry for this variant (Variation ID: 226437). Advanced modeling of protein sequence and biophysical properties (such as structural, functional, and spatial information, amino acid conservation, physicochemical variation, residue mobility, and thermodynamic stability) has been performed at Invitae for this missense variant, however the output from this modeling did not meet the statistical confidence thresholds required to predict the impact of this variant on CDH23 protein function. In summary, the available evidence is currently insufficient to determine the role of this variant in disease. Therefore, it has been classified as a Variant of Uncertain Significance.

ARUP Laboratories, Molecular Genetics and Genomics, ARUP Laboratories
Classification: Uncertain significance. Last evaluated: 2019-04-18. Review status: criteria provided, single submitter. Criteria: ARUP Molecular Germline Variant Investigation Process. Collection method: clinical testing. Allele origin: germline.

Eurofins Ntd Llc (ga)
Classification: Uncertain significance. Last evaluated: 2018-06-20. Review status: criteria provided, single submitter. Criteria: EGL ClinVar v180209 classification definitions. Collection method: clinical testing. Allele origin: germline. Observed: 3 variant alleles, 3 heterozygotes.

Illumina Laboratory Services, Illumina
Classification: Uncertain significance for Autosomal recessive nonsyndromic hearing loss 12. Last evaluated: 2017-04-27. Review status: criteria provided, single submitter. Criteria: ICSL Variant Classification Criteria 13 December 2019. Collection method: clinical testing. Allele origin: germline.
Comment: This variant was observed as part of a predisposition screen in an ostensibly healthy population. A literature search was performed for the gene, cDNA change, and amino acid change (where applicable). Publications were found based on this search. However, the evidence from the literature, in combination with allele frequency data from public databases where available, was not sufficient to rule this variant in or out of causing disease. Therefore, this variant is classified as a variant of unknown significance.

GeneDx
Classification: Uncertain significance. Last evaluated: 2016-05-19. Review status: criteria provided, single submitter. Criteria: GeneDx Variant Classification (06012015). Collection method: clinical testing. Allele origin: germline. Affected: yes.
Comment: The R1060W variant in the CDH23 gene has been reported previously in association with Usher syndrome and hearing loss (Roux et al., 2006; Jaijo et al., 2010; Bonnet et al., 2011; Bujakowska et al., 2014). However, in these reports the variant was either observed with no other CDH23 variants or with other variants which were determined to be the cause of the patient's phenotype, and was often described as non-pathogenic. Additionally, the variant has been observed in cis with D1341N (Cremers et al., 2007). However, the variant was not observed at any significant frequency in approximately 6,400 individuals of European and African American ancestry in the NHLBI Exome Sequencing Project, indicating it is not a common benign variant in these populations. The variant is a non-conservative amino acid substitution, which is likely to impact secondary protein structure as these residues differ in polarity, charge, size and/or other properties. This substitution occurs at a position that is conserved across species, and in silico analysis predicts this variant is probably damaging to the protein structure/function. Therefore, based on the currently available information, it is unclear whether this variant is a pathogenic variant or a rare benign variant.

Laboratory for Molecular Medicine, Mass General Brigham Personalized Medicine
Classification: Uncertain significance. Last evaluated: 2015-05-17. Review status: criteria provided, single submitter. Criteria: LMM Criteria. Collection method: clinical testing. Allele origin: germline. Observed: 2 variant alleles.
Comment: The p.Arg1060Trp variant in CDH23 has been previously reported in 6 probands wit h Usher syndrome, one individual with possible Usher syndrome, and one individua l with sensorineural hearing loss (Astuto 2002, Roux 2006, Cremers 2007, Jaijo 2 010, Bonnet 2011, Kimberling 2010, Vozzi 2011, Bujakowska 2014). However, most o f these individuals did not carry a second variant in CDH23 and two of the Usher individuals had pathogenic variants identified in other Usher syndrome genes th at explain their clinical manifestations (Vozzi 2011, Bonnet 2011). This variant has been identified in 0.06% (40/66008) of European chromosomes by the Exome Ag gregation Consortium (ExAC; dbSNP rs201536811); however, this frequency is not high enough to rule out a pathogenic role. Comput ational prediction tools and conservation analysis suggest that this variant may impact the protein, though this information is not predictive enough to determi ne pathogenicity. In summary, the clinical significance of the p.Arg1060Trp vari ant is uncertain.

Natera, Inc.
Classification: Uncertain significance for Usher syndrome type 1. Last evaluated: 2020-09-16. Review status: no assertion criteria provided. Collection method: clinical testing. Allele origin: germline. Not counted in ClinVar's aggregate classification.

Clinical Genetics DNA and cytogenetics Diagnostics Lab, Erasmus MC, Erasmus Medical Center
Classification: Uncertain significance. Review status: no assertion criteria provided. Collection method: clinical testing. Allele origin: germline. Affected: yes. Study: VKGL Data-share Consensus. Not counted in ClinVar's aggregate classification.

GeneReviews
No classification provided. Condition: Usher syndrome type 1. Review status: no classification provided. Collection method: literature only. Allele origin: germline. Affected: yes. Not counted in ClinVar's aggregate classification.

Joint Genome Diagnostic Labs from Nijmegen and Maastricht, Radboudumc and MUMC+
Classification: Uncertain significance. Review status: no assertion criteria provided. Collection method: clinical testing. Allele origin: germline. Affected: yes. Study: VKGL Data-share Consensus. Not counted in ClinVar's aggregate classification.

Literature cited by the submitters: PubMed 21738395 (cited by Laboratory of Molecular, Cellular and Translation Genetics in Otolaryngology/ Lim32-hcfmusp, University of Sao Paulo School of Medicine Clinics Hospital and Laboratory for Molecular Medicine, Mass General Brigham Personalized Medicine); PubMed 19683999 (cited by Laboratory of Molecular, Cellular and Translation Genetics in Otolaryngology/ Lim32-hcfmusp, University of Sao Paulo School of Medicine Clinics Hospital and Laboratory for Molecular Medicine, Mass General Brigham Personalized Medicine); PubMed 42233699 (cited by Laboratory of Molecular, Cellular and Translation Genetics in Otolaryngology/ Lim32-hcfmusp, University of Sao Paulo School of Medicine Clinics Hospital); PubMed 12075507 (cited by 3 submitters); PubMed 25468891 (cited by 3 submitters); PubMed 35580552 (cited by Women's Health and Genetics/Laboratory Corporation of America, LabCorp); PubMed 16679490 (cited by 3 submitters); PubMed 21569298 (cited by 3 submitters); PubMed 20613545 (cited by Laboratory for Molecular Medicine, Mass General Brigham Personalized Medicine); PubMed 16963483 (cited by Laboratory for Molecular Medicine, Mass General Brigham Personalized Medicine); NCBI Bookshelf NBK1265 (cited by GeneReviews).